The following is an entry in ClinVar:

NM_005857.5(ZMPSTE24):c.1020G>A (p.Trp340Ter)

Gene: ZMPSTE24 (zinc metallopeptidase STE24; plus strand). Cytogenetic location: 1p34.2.
Variant type: single nucleotide variant.
Coding change: c.1020G>A on transcript NM_005857.5 (MANE Select); coding-DNA position 1020, G replaced by A.
Protein change: p.Trp340Ter; replaces tryptophan 340 with a stop codon.
Molecular consequence: nonsense.
Genome position (GRCh38, 1-based): chr1:40,285,990, G>A. VCF-style: chr1-40285990-G-A. GRCh37 (hg19) VCF-style: chr1-40751662-G-A.
Other names: c.1020G>A (LRG_212t1); short protein forms W340*.
Identifiers: ClinVar variation 140509 (VCV000140509.5), dbSNP rs281875372, ClinGen allele CA232716.
Genomic context (GRCh38, chr1:40,285,990, plus strand): 5'-GAAACAAGGATGTAAAAATGAGGAGGTACTCGCTGTACTAGGCCATGAACTGGGGCACTG[G>A]AAGTTGGGACATACAGTCAAAAATATCATTATTAGCCAGGTAAGTGTGGAGTGACAATTC-3'

ClinVar aggregate classification (germline): Pathogenic. Review status: criteria provided, single submitter (1 of 4 stars). 2 submissions from 2 submitters: Pathogenic (1). 1 of the submissions does not count toward it. Last evaluated 2023-07-17.

Allele frequency attached by ClinVar (database versions not stated): gnomAD exomes 0.00001 and 0.00002; TOPMed 0.00001.
gnomAD v4.1: 3 of 1,614,068 alleles (0.00019%); highest among the groups gnomAD compares: Admixed American, 0.005%; no homozygotes.

Submissions (2):

Labcorp Genetics (formerly Invitae), Labcorp
Classification: Pathogenic. Last evaluated: 2023-07-17. Review status: criteria provided, single submitter. Criteria: Invitae Variant Classification Sherloc (09022015). Collection method: clinical testing. Allele origin: germline.
Comment: For these reasons, this variant has been classified as Pathogenic. ClinVar contains an entry for this variant (Variation ID: 140509). This premature translational stop signal has been observed in individual(s) with restrictive dermopathy (PMID: 21108632). This variant is present in population databases (rs281875372, gnomAD 0.01%). This sequence change creates a premature translational stop signal (p.Trp340*) in the ZMPSTE24 gene. It is expected to result in an absent or disrupted protein product. Loss-of-function variants in ZMPSTE24 are known to be pathogenic (PMID: 22718200, 24169522).

ZMPSTE24 homepage - Leiden Muscular Dystrophy pages
No classification provided. Review status: no classification provided. Collection method: not provided. Allele origin: germline. Not counted in ClinVar's aggregate classification.
Comment: has functional consequence

Literature cited by the submitters: PubMed 21108632 (cited by Labcorp Genetics (formerly Invitae), Labcorp); PubMed 22718200 (cited by Labcorp Genetics (formerly Invitae), Labcorp); PubMed 24169522 (cited by Labcorp Genetics (formerly Invitae), Labcorp).